The following is an entry in ClinVar:

NM_004006.3(DMD):c.5504A>C (p.Gln1835Pro)

Gene: DMD (dystrophin; minus strand). Cytogenetic location: Xp21.1.
Variant type: single nucleotide variant.
Coding change: c.5504A>C on transcript NM_004006.3 (MANE Select); coding-DNA position 5504, A replaced by C.
Protein change: p.Gln1835Pro; replaces glutamine 1835 with proline.
Molecular consequence: missense variant.
Genome position (GRCh38, 1-based): chrX:32,346,025, T>G on the plus strand (A>C on the coding strand, the complement: DMD is on the minus strand). VCF-style: chrX-32346025-T-G. GRCh37 (hg19) VCF-style: chrX-32364142-T-G.
Other names: c.5480A>C, p.Gln1827Pro (NM_000109.4); c.5492A>C, p.Gln1831Pro (NM_004009.3); c.5135A>C, p.Gln1712Pro (NM_004010.3); c.1481A>C, p.Gln494Pro (NM_004011.4); c.1472A>C, p.Gln491Pro (NM_004012.4); short protein forms Q1827P, Q1835P, Q1712P, Q494P, Q1831P, Q491P.
Identifiers: ClinVar variation 1747993 (VCV001747993.6), dbSNP rs747245739, ClinGen allele CA412667388.
Genomic context (GRCh38, chrX:32,346,025, plus strand): 5'-TGTAACAGCTGCTGTTTTATCTTTATTTCCTCTCGCTTTCTCTCATCTGTGATTCTTTGT[T>G]GTAAGTTGTCTCCTCTTTGCAACAATTCTTTTACAGTACCCTCATTGTCTTCATTCTGAT-3'
Protein context (NP_003997.2, residues 1825-1845): KELLQRGDNL[Gln1835Pro]QRITDERKRE

ClinVar aggregate classification (germline): Uncertain significance. Review status: criteria provided, multiple submitters, no conflicts (2 of 4 stars). 2 submissions from 2 submitters: Uncertain significance (2). Last evaluated 2024-10-05.

Conditions:
Duchenne muscular dystrophy (DMD). Also called: MUSCULAR DYSTROPHY, PSEUDOHYPERTROPHIC PROGRESSIVE, DUCHENNE TYPE; Duchenne Muscular Dystrophy (DMD). Identifiers: Orphanet 98896, MedGen C0013264, MONDO:0010679, OMIM 310200.
Cardiovascular phenotype. Identifiers: MedGen CN230736.

gnomAD v4.1: 1 of 1,208,133 alleles (0.000083%); highest among the groups gnomAD compares: Non-Finnish European, 0.00011%; no homozygotes.

Submissions (2):

Labcorp Genetics (formerly Invitae), Labcorp
Classification: Uncertain significance for Duchenne muscular dystrophy. Last evaluated: 2024-10-05. Review status: criteria provided, single submitter. Criteria: Invitae Variant Classification Sherloc (09022015). Collection method: clinical testing. Allele origin: germline.
Comment: This sequence change replaces glutamine, which is neutral and polar, with proline, which is neutral and non-polar, at codon 1835 of the DMD protein (p.Gln1835Pro). This variant is not present in population databases (gnomAD no frequency). This variant has not been reported in the literature in individuals affected with DMD-related conditions. ClinVar contains an entry for this variant (Variation ID: 1747993). Invitae Evidence Modeling of protein sequence and biophysical properties (such as structural, functional, and spatial information, amino acid conservation, physicochemical variation, residue mobility, and thermodynamic stability) indicates that this missense variant is not expected to disrupt DMD protein function with a negative predictive value of 95%. In summary, the available evidence is currently insufficient to determine the role of this variant in disease. Therefore, it has been classified as a Variant of Uncertain Significance.

Ambry Genetics
Classification: Uncertain significance for Cardiovascular phenotype. Last evaluated: 2021-03-16. Review status: criteria provided, single submitter. Criteria: Ambry Variant Classification Scheme 2023. Collection method: clinical testing. Allele origin: germline.
Comment: The p.Q1835P variant (also known as c.5504A>C), located in coding exon 39 of the DMD gene, results from an A to C substitution at nucleotide position 5504. The glutamine at codon 1835 is replaced by proline, an amino acid with similar properties. This amino acid position is well conserved in available vertebrate species. In addition, this alteration is predicted to be tolerated by in silico analysis. Since supporting evidence is limited at this time, the clinical significance of this alteration remains unclear.